The following is an entry in ClinVar:

NM_152415.3(VPS37A):c.131C>A (p.Ala44Asp)

Gene: VPS37A (VPS37A subunit of ESCRT-I; plus strand). Cytogenetic location: 8p22.
Variant type: single nucleotide variant.
Coding change: c.131C>A on transcript NM_152415.3 (MANE Select); coding-DNA position 131, C replaced by A.
Protein change: p.Ala44Asp; replaces alanine 44 with aspartic acid.
Molecular consequence: missense variant. On other transcripts: 5 prime UTR variant (5), intron variant (1).
Genome position (GRCh38, 1-based): chr8:17,265,912, C>A. VCF-style: chr8-17265912-C-A. GRCh37 (hg19) VCF-style: chr8-17123421-C-A.
Other names: c.131C>A (NM_152415.2); c.131C>A, p.Ala44Asp (NM_001363167.1, NM_001363173.2); c.-140C>A (NM_001363168.1, NM_001363169.1, NM_001363170.1 and 2 more transcripts); c.126-2346C>A (NM_001145152.2); short protein forms A44D.
Identifiers: ClinVar variation 3665530 (VCV003665530.3).

ClinVar aggregate classification (germline): Uncertain significance. Review status: criteria provided, multiple submitters, no conflicts (2 of 4 stars). 2 submissions from 2 submitters: Uncertain significance (2). Last evaluated 2025-05-19.

Conditions:
Hereditary spastic paraplegia 53. Also called: Spastic paraplegia 53, autosomal recessive. Identifiers: Orphanet 319199, MedGen C3539494, MONDO:0013962, OMIM 614898.

gnomAD v4.1: 23 of 1,613,256 alleles (0.0014%); highest among the groups gnomAD compares: Non-Finnish European, 0.0019%; no homozygotes.

Submissions (2):

Ambry Genetics
Classification: Uncertain significance. Last evaluated: 2025-05-19. Review status: criteria provided, single submitter. Criteria: Ambry Variant Classification Scheme 2023. Collection method: clinical testing. Allele origin: germline.

Labcorp Genetics (formerly Invitae), Labcorp
Classification: Uncertain significance for Hereditary spastic paraplegia 53. Last evaluated: 2024-12-10. Review status: criteria provided, single submitter. Criteria: Invitae Variant Classification Sherloc (09022015). Collection method: clinical testing. Allele origin: germline.
Comment: This sequence change replaces alanine, which is neutral and non-polar, with aspartic acid, which is acidic and polar, at codon 44 of the VPS37A protein (p.Ala44Asp). This variant is present in population databases (rs146772515, gnomAD 0.0009%). This variant has not been reported in the literature in individuals affected with VPS37A-related conditions. Invitae Evidence Modeling of protein sequence and biophysical properties (such as structural, functional, and spatial information, amino acid conservation, physicochemical variation, residue mobility, and thermodynamic stability) indicates that this missense variant is not expected to disrupt VPS37A protein function with a negative predictive value of 80%. In summary, the available evidence is currently insufficient to determine the role of this variant in disease. Therefore, it has been classified as a Variant of Uncertain Significance.